The following is an entry in ClinVar:

ClinVar aggregate classification (germline): Uncertain significance. Review status: criteria provided, multiple submitters, no conflicts (2 of 4 stars). 2 submissions from 2 submitters: Uncertain significance (2). Last evaluated 2025-02-12.

Allele frequency attached by ClinVar (database versions not stated): gnomAD exomes 0.00003 and 0.00004; TOPMed 0.00005; ExAC 0.00007; gnomAD 0.00007 and 0.00008; ESP Exome Variant Server 0.00008.
gnomAD v4.1: 68 of 1,533,298 alleles (0.0044%); highest among the groups gnomAD compares: East Asian, 0.014%; no homozygotes.

Submissions (2):

Ambry Genetics
Classification: Uncertain significance. Last evaluated: 2025-02-12. Review status: criteria provided, single submitter. Criteria: Ambry Variant Classification Scheme 2023. Collection method: clinical testing. Allele origin: germline.

Labcorp Genetics (formerly Invitae), Labcorp
Classification: Uncertain significance. Last evaluated: 2022-08-09. Review status: criteria provided, single submitter. Criteria: Invitae Variant Classification Sherloc (09022015). Collection method: clinical testing. Allele origin: germline.
Comment: This sequence change replaces proline, which is neutral and non-polar, with leucine, which is neutral and non-polar, at codon 843 of the PLEKHG2 protein (p.Pro843Leu). This variant is present in population databases (rs374850282, gnomAD 0.01%). This variant has not been reported in the literature in individuals affected with PLEKHG2-related conditions. ClinVar contains an entry for this variant (Variation ID: 1406150). Algorithms developed to predict the effect of missense changes on protein structure and function are either unavailable or do not agree on the potential impact of this missense change (SIFT: "Deleterious"; PolyPhen-2: "Probably Damaging"; Align-GVGD: "Class C0"). In summary, the available evidence is currently insufficient to determine the role of this variant in disease. Therefore, it has been classified as a Variant of Uncertain Significance.

NM_022835.3(PLEKHG2):c.2528C>T (p.Pro843Leu)

Gene: PLEKHG2 (pleckstrin homology and RhoGEF domain containing G2; plus strand). Cytogenetic location: 19q13.2.
Variant type: single nucleotide variant.
Coding change: c.2528C>T on transcript NM_022835.3 (MANE Select); coding-DNA position 2528, C replaced by T.
Protein change: p.Pro843Leu; replaces proline 843 with leucine.
Molecular consequence: missense variant. On other transcripts: intron variant (1).
Genome position (GRCh38, 1-based): chr19:39,423,582, C>T. VCF-style: chr19-39423582-C-T. GRCh37 (hg19) VCF-style: chr19-39914222-C-T.
Other names: c.2351C>T, p.Pro784Leu (NM_001351693.2); c.1677+1294C>T (NM_001351694.2); c.2528C>T (NM_022835.2); short protein forms P784L, P843L.
Identifiers: ClinVar variation 1406150 (VCV001406150.4), dbSNP rs374850282, ClinGen allele CA9429797.